The following is an entry in ClinVar:

ClinVar aggregate classification (germline): Uncertain significance. Review status: criteria provided, multiple submitters, no conflicts (2 of 4 stars). 2 submissions from 2 submitters: Uncertain significance (2). Last evaluated 2024-04-24.

Conditions:
Inborn genetic diseases. Identifiers: MedGen C0950123, MeSH D030342.

Allele frequency attached by ClinVar (database versions not stated): TOPMed below 0.00001; gnomAD 0.00001; ExAC 0.00003; gnomAD exomes 0.00003; ESP Exome Variant Server 0.00008.
gnomAD v4.1: 44 of 1,594,038 alleles (0.0028%); highest among the groups gnomAD compares: Non-Finnish European, 0.0033%; no homozygotes.

Submissions (2):

Ambry Genetics
Classification: Uncertain significance for Inborn genetic diseases. Last evaluated: 2024-04-24. Review status: criteria provided, single submitter. Criteria: Ambry Variant Classification Scheme 2023. Collection method: clinical testing. Allele origin: germline.

Labcorp Genetics (formerly Invitae), Labcorp
Classification: Uncertain significance. Last evaluated: 2022-05-29. Review status: criteria provided, single submitter. Criteria: Invitae Variant Classification Sherloc (09022015). Collection method: clinical testing. Allele origin: germline.
Comment: This sequence change replaces threonine, which is neutral and polar, with isoleucine, which is neutral and non-polar, at codon 744 of the ATP8A2 protein (p.Thr744Ile). This variant is present in population databases (rs375811227, gnomAD 0.007%). This variant has not been reported in the literature in individuals affected with ATP8A2-related conditions. Algorithms developed to predict the effect of missense changes on protein structure and function are either unavailable or do not agree on the potential impact of this missense change (SIFT: "Tolerated"; PolyPhen-2: "Possibly Damaging"; Align-GVGD: "Class C0"). In summary, the available evidence is currently insufficient to determine the role of this variant in disease. Therefore, it has been classified as a Variant of Uncertain Significance.

NM_016529.6(ATP8A2):c.2231C>T (p.Thr744Ile)

Gene: ATP8A2 (ATPase phospholipid transporting 8A2). Cytogenetic location: 13q12.13.
Variant type: single nucleotide variant.
Coding change: c.2231C>T on transcript NM_016529.6 (MANE Select); coding-DNA position 2231, C replaced by T.
Protein change: p.Thr744Ile; replaces threonine 744 with isoleucine.
Molecular consequence: missense variant.
Genome position (GRCh38, 1-based): chr13:25,699,192, C>T. VCF-style: chr13-25699192-C-T. GRCh37 (hg19) VCF-style: chr13-26273330-C-T.
Other names: c.2111C>T, p.Thr704Ile (NM_001313741.1); c.2231C>T, p.Thr744Ile (NM_001411005.1, NM_001411006.1); c.2231C>T (NM_016529.4); short protein forms T704I, T744I.
Identifiers: ClinVar variation 1899572 (VCV001899572.3), dbSNP rs375811227, ClinGen allele CA6923261.
Genomic context (GRCh38, chr13:25,699,192, plus strand): 5'-ACACACAAAAAATGTGATTTTCCCCTATACTCTTGTTTCAGGCCACAAGGGCAGCCATTA[C>T]TCAGCACTGCACTGACCTTGGGAATTTGCTGGGCAAGGAAAATGACGTGGCCCTGATCAT-3'
Protein context (NP_057613.4, residues 734-754): DSLDATRAAI[Thr744Ile]QHCTDLGNLL